The following is an entry in ClinVar:

ClinVar aggregate classification (germline): Likely benign. Review status: criteria provided, multiple submitters, no conflicts (2 of 4 stars). 3 submissions from 3 submitters: Likely benign (3). Last evaluated 2024-10-11.

Allele frequency attached by ClinVar (database versions not stated): ExAC 0.00099; gnomAD exomes 0.00109 and 0.00239; gnomAD 0.00123 and 0.00127; ESP Exome Variant Server 0.00138; TOPMed 0.00139.
gnomAD v4.1: 3,618 of 1,613,366 alleles (0.22%); highest among the groups gnomAD compares: Non-Finnish European, 0.29%; 5 homozygotes.

Submissions (3):

Blueprint Genetics
Classification: Likely benign. Last evaluated: 2024-10-11. Review status: criteria provided, single submitter. Criteria: ACMG Guidelines, 2015. Collection method: clinical testing. Allele origin: germline.

CeGaT Center for Human Genetics Tuebingen
Classification: Likely benign. Last evaluated: 2024-02-01. Review status: criteria provided, single submitter. Criteria: CeGaT Center For Human Genetics Tuebingen Variant Classification Criteria Version 2. Collection method: clinical testing. Allele origin: germline. Affected: yes. Observed: 1 variant allele.
Comment: SLC9A9: BP4, BP7

Labcorp Genetics (formerly Invitae), Labcorp
Classification: Likely benign. Last evaluated: 2018-04-12. Review status: criteria provided, single submitter. Criteria: Invitae Variant Classification Sherloc (09022015). Collection method: clinical testing. Allele origin: germline.

NM_173653.4(SLC9A9):c.1641G>A (p.Pro547=)

Gene: SLC9A9 (solute carrier family 9 member A9; minus strand). Cytogenetic location: 3q24.
Variant type: single nucleotide variant.
Coding change: c.1641G>A on transcript NM_173653.4 (MANE Select); coding-DNA position 1641, G replaced by A.
Protein change: p.Pro547=; no amino-acid change (proline 547 retained).
Molecular consequence: synonymous variant.
Genome position (GRCh38, 1-based): chr3:143,268,944, C>T on the plus strand (G>A on the coding strand, the complement: SLC9A9 is on the minus strand). VCF-style: chr3-143268944-C-T. GRCh37 (hg19) VCF-style: chr3-142987786-C-T.
Identifiers: ClinVar variation 789170 (VCV000789170.26), dbSNP rs61750363, ClinGen allele CA2653719.